The following is an entry in ClinVar:

ClinVar aggregate classification (germline): Conflicting classifications of pathogenicity. Review status: criteria provided, conflicting classifications (1 of 4 stars). 7 submissions from 7 submitters: Uncertain significance (4); Likely benign (2). 1 of the submissions does not count toward it. Last evaluated 2025-06-16.

Conditions:
Breast-ovarian cancer, familial, susceptibility to, 1 (BROVCA1). Also called: BRCA1 Hereditary Breast and Ovarian Cancer; OVARIAN CANCER, SUSCEPTIBILITY TO. Identifiers: Orphanet 145, MedGen C2676676, MONDO:0011450, OMIM 604370. Disease mechanism: loss of function.
Hereditary breast ovarian cancer syndrome. Also called: Hereditary breast and/or ovarian cancer syndrome; Hereditary breast and ovarian cancer syndrome; Hereditary breast and ovarian cancer; Hereditary breast and ovarian cancer syndrome (HBOC); Breast and ovarian cancer; BRCA1- and BRCA2-Associated Hereditary Breast and Ovarian Cancer. Identifiers: Orphanet 145, MedGen C0677776, MeSH D061325, MONDO:0003582. Disease mechanism: loss of function.
Hereditary cancer-predisposing syndrome. Also called: Hereditary Cancer Syndrome; Neoplastic Syndromes, Hereditary; Hereditary neoplastic syndrome; Tumor predisposition. Identifiers: Orphanet 140162, MedGen C0027672, MeSH D009386, MONDO:0015356.

Allele frequency attached by ClinVar (database versions not stated): gnomAD exomes below 0.00001.
gnomAD v4.1: 2 of 1,614,228 alleles (0.00012%); highest among the groups gnomAD compares: Non-Finnish European, 0.00017%; no homozygotes.

Submissions (7):

Ambry Genetics
Classification: Uncertain significance for Hereditary cancer-predisposing syndrome. Last evaluated: 2025-06-16. Review status: criteria provided, single submitter. Criteria: Ambry Variant Classification Scheme 2023. Collection method: clinical testing. Allele origin: germline.
Comment: The p.D1305V variant (also known as c.3914A>T), located in coding exon 9 of the BRCA1 gene, results from an A to T substitution at nucleotide position 3914. The aspartic acid at codon 1305 is replaced by valine, an amino acid with highly dissimilar properties. This amino acid position is not well conserved in available vertebrate species. In addition, the in silico prediction for this alteration is inconclusive. Since supporting evidence is limited at this time, the clinical significance of this alteration remains unclear.

Labcorp Genetics (formerly Invitae), Labcorp
Classification: Uncertain significance for Hereditary breast ovarian cancer syndrome. Last evaluated: 2025-05-05. Review status: criteria provided, single submitter. Criteria: Invitae Variant Classification Sherloc (09022015). Collection method: clinical testing. Allele origin: germline.
Comment: This sequence change replaces aspartic acid, which is acidic and polar, with valine, which is neutral and non-polar, at codon 1305 of the BRCA1 protein (p.Asp1305Val). This variant is not present in population databases (gnomAD no frequency). This missense change has been observed in individual(s) with breast cancer (PMID: 21520333, 31409081). ClinVar contains an entry for this variant (Variation ID: 96920). Invitae Evidence Modeling of protein sequence and biophysical properties (such as structural, functional, and spatial information, amino acid conservation, physicochemical variation, residue mobility, and thermodynamic stability) has been performed for this missense variant. However, the output from this modeling did not meet the statistical confidence thresholds required to predict the impact of this variant on BRCA1 protein function. In summary, the available evidence is currently insufficient to determine the role of this variant in disease. Therefore, it has been classified as a Variant of Uncertain Significance.

All of Us Research Program, National Institutes of Health
Classification: Uncertain significance for Breast-ovarian cancer, familial, susceptibility to, 1. Last evaluated: 2023-11-02. Review status: criteria provided, single submitter. Criteria: ACMG Guidelines, 2015. Collection method: clinical testing. Allele origin: germline. Inheritance: Autosomal dominant inheritance. Observed: 1 variant allele, 1 heterozygote.
Comment: This missense variant replaces aspartic acid with valine at codon 1305 of the BRCA1 protein. Computational prediction is inconclusive regarding the impact of this variant on protein structure and function (internally defined REVEL score threshold 0.5 < inconclusive < 0.7, PMID: 27666373). A functional study has reported that this variant does not impact BRCA1 function in a homology-mediated DNA repair and sensitivity to cisplatin and PARP inhibitor assays (PMID: 32546644). This variant has been detected in a suspected hereditary breast and ovarian cancer family (PMID: 31409081) and it also has been detected in a breast cancer case-control meta-analysis in 1/60466 cases and 1/53461 unaffected individuals (PMID: 33471991; Leiden Open Variation Database DB-ID BRCA1_002612). This variant has not been identified in the general population by the Genome Aggregation Database (gnomAD). The available evidence is insufficient to determine the role of this variant in disease conclusively. Therefore, this variant is classified as a Variant of Uncertain Significance.

This study involves interpretation of variants in research participants for the purpose of population health screening. Participant phenotype was not available at the time of variant classification. Additional details can be found in publication PMID: 35346344, PMCID: PMC8962531

Color Diagnostics, LLC DBA Color Health
Classification: Uncertain significance for Hereditary cancer-predisposing syndrome. Last evaluated: 2023-10-11. Review status: criteria provided, single submitter. Criteria: ACMG Guidelines, 2015. Collection method: clinical testing. Allele origin: germline.
Comment: This missense variant replaces aspartic acid with valine at codon 1305 of the BRCA1 protein. Computational prediction is inconclusive regarding the impact of this variant on protein structure and function (internally defined REVEL score threshold 0.5 < inconclusive < 0.7, PMID: 27666373). A functional study has reported that this variant does not impact BRCA1 function in a homology-mediated DNA repair and sensitivity to cisplatin and PARP inhibitor assays (PMID: 32546644). This variant has been detected in a suspected hereditary breast and ovarian cancer family (PMID: 31409081) and it also has been detected in a breast cancer case-control meta-analysis in 1/60466 cases and 1/53461 unaffected individuals (PMID: 33471991; Leiden Open Variation Database DB-ID BRCA1_002612). This variant has not been identified in the general population by the Genome Aggregation Database (gnomAD). The available evidence is insufficient to determine the role of this variant in disease conclusively. Therefore, this variant is classified as a Variant of Uncertain Significance.

University of Washington Department of Laboratory Medicine, University of Washington
Classification: Likely benign for Hereditary cancer-predisposing syndrome. Last evaluated: 2023-03-23. Review status: criteria provided, single submitter. Criteria: Dines et al. (Genet Med. 2020). Collection method: curation. Allele origin: germline.
Comment: Missense variant in a coldspot region where missense variants are very unlikely to be pathogenic (PMID:31911673).

BRCA1 coldspot (exon 11 using historical exon numbering). Reclassification based on statistical prior probability

Women's Health and Genetics/Laboratory Corporation of America, LabCorp
Classification: Likely benign. Last evaluated: 2022-10-21. Review status: criteria provided, single submitter. Criteria: LabCorp Variant Classification Summary - May 2015. Collection method: clinical testing. Allele origin: germline.
Comment: Variant summary: BRCA1 c.3914A>T (p.Asp1305Val) results in a non-conservative amino acid change in the encoded protein sequence. Four of five in-silico tools predict a damaging effect of the variant on protein function. The variant was absent in 251160 control chromosomes. The available data on variant occurrences in the general population are insufficient to allow any conclusion about variant significance. c.3914A>T has been reported in the literature in individuals with suspected predisposition to Hereditary Breast And Ovarian Cancer Syndrome (Machackova_2019) . This report does not provide unequivocal conclusions about association of the variant with Hereditary Breast And Ovarian Cancer Syndrome. At least one publication reports experimental evidence evaluating an impact on protein function (Bouwman_2020). These results showed no damaging effect of this variant on ability to complement BRCA1-deficient mouse embryonic stem cells in homologous recombination DNA repair (HRR) using cisplatin and olaparib sensitivity assays and a direct GFP HRR assay. HDR assays qualify as a recognized gold standard on the basis of updated guidance provided by the ClinGen Sequence Variant Interpretation (SVI) working group. Three clinical diagnostic laboratories have submitted clinical-significance assessments for this variant to ClinVar after 2014 without evidence for independent evaluation. All laboratories classified the variant as uncertain significance. Based on the evidence outlined above, the variant was classified as likely benign.

Sharing Clinical Reports Project (SCRP)
Classification: Uncertain significance for Breast-ovarian cancer, familial 1. Last evaluated: 2008-01-24. Review status: no assertion criteria provided. Collection method: clinical testing. Allele origin: germline. Not counted in ClinVar's aggregate classification.

Literature cited by the submitters: PubMed 21520333 (cited by Labcorp Genetics (formerly Invitae), Labcorp); PubMed 31409081 (cited by 4 submitters); PubMed 32546644 (cited by 3 submitters); PubMed 33471991 (cited by All of Us Research Program, National Institutes of Health and Color Diagnostics, LLC DBA Color Health).

NM_007294.4(BRCA1):c.3914A>T (p.Asp1305Val)

Genes: BRCA1 (BRCA1 DNA repair associated; minus strand), LOC126862571 (BRD4-independent group 4 enhancer GRCh37_chr17:41243136-41244335; plus strand). Cytogenetic location: 17q21.31.
Variant type: single nucleotide variant.
Coding change: c.3914A>T on transcript NM_007294.4 (MANE Select); coding-DNA position 3914, A replaced by T.
Protein change: p.Asp1305Val; replaces aspartic acid 1305 with valine.
Molecular consequence: missense variant. On other transcripts: intron variant (135).
Genome position (GRCh38, 1-based): chr17:43,091,617, T>A on the plus strand (A>T on the coding strand, the complement: BRCA1 is on the minus strand). VCF-style: chr17-43091617-T-A. GRCh37 (hg19) VCF-style: chr17-41243634-T-A.
Other names: c.3701A>T, p.Asp1234Val (NM_001407571.1, NM_001407853.1, NM_001407894.1 and 9 more transcripts); c.3914A>T, p.Asp1305Val (NM_001407581.1, NM_001407582.1, NM_001407583.1 and 30 more transcripts); c.3911A>T, p.Asp1304Val (NM_001407587.1, NM_001407590.1, NM_001407591.1 and 22 more transcripts); c.3905A>T, p.Asp1302Val (NM_001407646.1, NM_001407647.1); c.3791A>T, p.Asp1264Val (NM_001407648.1, NM_001407664.1, NM_001407665.1 and 19 more transcripts); c.3788A>T, p.Asp1263Val (NM_001407649.1, NM_001407670.1, NM_001407671.1 and 11 more transcripts); c.3836A>T, p.Asp1279Val (NM_001407653.1, NM_001407654.1, NM_001407655.1 and 4 more transcripts); c.3833A>T, p.Asp1278Val (NM_001407659.1, NM_001407660.1, NM_001407661.1 and 1 more transcripts); and 41 more; short protein forms D1305V, D1258V, D1217V, D1238V, D1278V, D1279V, D1177V, D1193V.
Identifiers: ClinVar variation 96920 (VCV000096920.26), dbSNP rs431825402, ClinGen allele CA002517.